The following is an entry in ClinVar:

NM_000090.4(COL3A1):c.80-8T>C

Gene: COL3A1 (collagen type III alpha 1 chain; plus strand). Cytogenetic location: 2q32.2.
Variant type: single nucleotide variant.
Coding change: c.80-8T>C on transcript NM_000090.4 (MANE Select); 8 bases into the intron before coding-DNA position 80, T replaced by C.
Molecular consequence: intron variant.
Genome position (GRCh38, 1-based): chr2:188,984,752, T>C. VCF-style: chr2-188984752-T-C. GRCh37 (hg19) VCF-style: chr2-189849478-T-C.
Identifiers: ClinVar variation 752300 (VCV000752300.15), dbSNP rs1241543816, ClinGen allele CA538440480.
Genomic context (GRCh38, chr2:188,984,752, plus strand): 5'-ACAGAGTAACAAAAATCACCTTTCAGCAAAACCTAAGGAAACTTCACGTCATCTAACTTG[T>C]TTTTCAGCTGTTGAAGGAGGATGTTCCCATCTTGGTCAGTCCTATGCGGATAGAGATGTC-3'

ClinVar aggregate classification (germline): Likely benign. Review status: criteria provided, multiple submitters, no conflicts (2 of 4 stars). 3 submissions from 3 submitters: Likely benign (2). 1 of the submissions does not count toward it. Last evaluated 2026-01-15.

Conditions:
COL3A1-related disorder. Also called: COL3A1-related condition.
Familial thoracic aortic aneurysm and aortic dissection (TAAD). Also called: Thoracic aortic aneurysms and dissections. Identifiers: Orphanet 91387, MedGen C4707243, MONDO:0019625.
Ehlers-Danlos syndrome, type 4 (EDSVASC). Also called: Ehlers-Danlos syndrome vascular type; Ehlers Danlos syndrome, ecchymotic type; Ehlers Danlos syndrome, arterial type; Ehlers Danlos syndrome, Sack-Barabas type; Ehlers-Danlos Syndrome Type IV. Identifiers: Orphanet 286, MedGen C0268338, MONDO:0017314, OMIM 130050.

Allele frequency attached by ClinVar (database versions not stated): gnomAD exomes below 0.00001 and 0.00001; TOPMed below 0.00001; gnomAD 0.00001.
gnomAD v4.1: 16 of 1,612,480 alleles (0.00099%); highest among the groups gnomAD compares: Admixed American, 0.0033%; no homozygotes.

Submissions (3):

Labcorp Genetics (formerly Invitae), Labcorp
Classification: Likely benign for Ehlers-Danlos syndrome, type 4. Last evaluated: 2026-01-15. Review status: criteria provided, single submitter. Criteria: Invitae Variant Classification Sherloc (09022015). Collection method: clinical testing. Allele origin: germline.

Color Diagnostics, LLC DBA Color Health
Classification: Likely benign for Familial thoracic aortic aneurysm and aortic dissection. Last evaluated: 2018-12-01. Review status: criteria provided, single submitter. Criteria: ACMG Guidelines, 2015. Collection method: clinical testing. Allele origin: germline.

PreventionGenetics, part of Exact Sciences
Classification: Likely benign for COL3A1-related condition. Last evaluated: 2021-03-22. Review status: no assertion criteria provided. Collection method: clinical testing. Allele origin: germline. Not counted in ClinVar's aggregate classification.
Comment: This variant is classified as likely benign based on ACMG/AMP sequence variant interpretation guidelines (Richards et al. 2015 PMID: 25741868, with internal and published modifications).